The following is an entry in ClinVar:

ClinVar aggregate classification (germline): Uncertain significance (1 of 4 stars; one submission).

Allele frequency attached by ClinVar (database versions not stated): TOPMed below 0.00001; ExAC 0.00001; gnomAD 0.00001.
gnomAD v4.1: 2 of 1,613,760 alleles (0.00012%); highest among the groups gnomAD compares: African/African-American, 0.0027%; no homozygotes.

Submission:

Labcorp Genetics (formerly Invitae), Labcorp
Classification: Uncertain significance. Last evaluated: 2021-08-24. Review status: criteria provided, single submitter. Criteria: Invitae Variant Classification Sherloc (09022015). Collection method: clinical testing. Allele origin: germline.
Comment: In summary, the available evidence is currently insufficient to determine the role of this variant in disease. Therefore, it has been classified as a Variant of Uncertain Significance. Algorithms developed to predict the effect of missense changes on protein structure and function are either unavailable or do not agree on the potential impact of this missense change (SIFT: "Deleterious"; PolyPhen-2: "Probably Damaging"; Align-GVGD: "Class C15"). This variant has not been reported in the literature in individuals affected with IMPG2-related conditions. This variant is present in population databases (rs758366596, ExAC 0.01%). This sequence change replaces valine with methionine at codon 907 of the IMPG2 protein (p.Val907Met). The valine residue is highly conserved and there is a small physicochemical difference between valine and methionine.

NM_016247.4(IMPG2):c.2719G>A (p.Val907Met)

Gene: IMPG2 (interphotoreceptor matrix proteoglycan 2; minus strand). Cytogenetic location: 3q12.3.
Variant type: single nucleotide variant.
Coding change: c.2719G>A on transcript NM_016247.4 (MANE Select); coding-DNA position 2719, G replaced by A.
Protein change: p.Val907Met; replaces valine 907 with methionine.
Molecular consequence: missense variant.
Genome position (GRCh38, 1-based): chr3:101,243,612, C>T on the plus strand (G>A on the coding strand, the complement: IMPG2 is on the minus strand). VCF-style: chr3-101243612-C-T. GRCh37 (hg19) VCF-style: chr3-100962456-C-T.
Other names: short protein forms V907M.
Identifiers: ClinVar variation 1515122 (VCV001515122.6), dbSNP rs758366596, ClinGen allele CA2518927.